The following is an entry in ClinVar:

ClinVar aggregate classification (germline): Uncertain significance. Review status: criteria provided, multiple submitters, no conflicts (2 of 4 stars). 2 submissions from 2 submitters: Uncertain significance (2). Last evaluated 2025-01-23.

Conditions:
DICER1-related tumor predisposition. Also called: DICER1 syndrome; DICER1-related pleuropulmonary blastoma cancer predisposition syndrome. Identifiers: Orphanet 284343, MedGen C3839822, MONDO:0100216.
Hereditary cancer-predisposing syndrome. Also called: Hereditary Cancer Syndrome; Neoplastic Syndromes, Hereditary; Hereditary neoplastic syndrome; Tumor predisposition. Identifiers: Orphanet 140162, MedGen C0027672, MeSH D009386, MONDO:0015356.

Submissions (2):

Ambry Genetics
Classification: Uncertain significance for Hereditary cancer-predisposing syndrome. Last evaluated: 2025-01-23. Review status: criteria provided, single submitter. Criteria: Ambry Variant Classification Scheme 2023. Collection method: clinical testing. Allele origin: germline.
Comment: The p.G1665E variant (also known as c.4994G>A), located in coding exon 22 of the DICER1 gene, results from a G to A substitution at nucleotide position 4994. The glycine at codon 1665 is replaced by glutamic acid, an amino acid with similar properties. This amino acid position is highly conserved in available vertebrate species. In addition, this alteration is predicted to be deleterious by in silico analysis. Based on the available evidence, the clinical significance of this variant remains unclear.

Labcorp Genetics (formerly Invitae), Labcorp
Classification: Uncertain significance for DICER1-related tumor predisposition. Last evaluated: 2023-08-27. Review status: criteria provided, single submitter. Criteria: Invitae Variant Classification Sherloc (09022015). Collection method: clinical testing. Allele origin: germline.
Comment: In summary, the available evidence is currently insufficient to determine the role of this variant in disease. Therefore, it has been classified as a Variant of Uncertain Significance. Advanced modeling of protein sequence and biophysical properties (such as structural, functional, and spatial information, amino acid conservation, physicochemical variation, residue mobility, and thermodynamic stability) has been performed at Invitae for this missense variant, however the output from this modeling did not meet the statistical confidence thresholds required to predict the impact of this variant on DICER1 protein function. ClinVar contains an entry for this variant (Variation ID: 2132919). This variant has not been reported in the literature in individuals affected with DICER1-related conditions. This variant is not present in population databases (gnomAD no frequency). This sequence change replaces glycine, which is neutral and non-polar, with glutamic acid, which is acidic and polar, at codon 1665 of the DICER1 protein (p.Gly1665Glu).

NM_177438.3(DICER1):c.4994G>A (p.Gly1665Glu)

Gene: DICER1 (dicer 1, ribonuclease III; minus strand). Cytogenetic location: 14q32.13.
Variant type: single nucleotide variant.
Coding change: c.4994G>A on transcript NM_177438.3 (MANE Select); coding-DNA position 4994, G replaced by A.
Protein change: p.Gly1665Glu; replaces glycine 1665 with glutamic acid.
Molecular consequence: missense variant. On other transcripts: non-coding transcript variant (6).
Genome position (GRCh38, 1-based): chr14:95,095,926, C>T on the plus strand (G>A on the coding strand, the complement: DICER1 is on the minus strand). VCF-style: chr14-95095926-C-T. GRCh37 (hg19) VCF-style: chr14-95562263-C-T.
Other names: c.4994G>A, p.Gly1665Glu (NM_001195573.1, NM_001271282.3, NM_001291628.2 and 13 more transcripts); c.4712G>A, p.Gly1571Glu (NM_001395686.1); c.4589G>A, p.Gly1530Glu (NM_001395687.1, NM_001395688.1, NM_001395689.1 and 2 more transcripts); c.4427G>A, p.Gly1476Glu (NM_001395691.1); c.3311G>A, p.Gly1104Glu (NM_001395697.1); short protein forms G1665E, G1104E, G1476E, G1530E, G1571E.
Identifiers: ClinVar variation 2132919 (VCV002132919.5), dbSNP rs1256442548, ClinGen allele CA390866146.